The following is an entry in ClinVar:

NM_000059.4(BRCA2):c.3826G>T (p.Glu1276Ter)

Gene: BRCA2 (BRCA2 DNA repair associated; plus strand). Cytogenetic location: 13q13.1.
Variant type: single nucleotide variant.
Coding change: c.3826G>T on transcript NM_000059.4 (MANE Select); coding-DNA position 3826, G replaced by T.
Protein change: p.Glu1276Ter; replaces glutamic acid 1276 with a stop codon.
Molecular consequence: nonsense.
Genome position (GRCh38, 1-based): chr13:32,338,181, G>T. VCF-style: chr13-32338181-G-T. GRCh37 (hg19) VCF-style: chr13-32912318-G-T.
Other names: c.3826G>T, p.Glu1276Ter (NM_001406719.1, NM_001406720.1); short protein forms E1276*.
Identifiers: ClinVar variation 1735307 (VCV001735307.2), dbSNP rs878853575, ClinGen allele CA387778508.

ClinVar aggregate classification (germline): Pathogenic (1 of 4 stars; one submission).

Conditions:
Hereditary cancer-predisposing syndrome. Also called: Neoplastic Syndromes, Hereditary; Tumor predisposition; Hereditary Cancer Syndrome; Hereditary neoplastic syndrome. Identifiers: Orphanet 140162, MedGen C0027672, MeSH D009386, MONDO:0015356.

Submission:

Ambry Genetics
Classification: Pathogenic for Hereditary cancer-predisposing syndrome. Last evaluated: 2021-09-17. Review status: criteria provided, single submitter. Criteria: Ambry Variant Classification Scheme 2023. Collection method: clinical testing. Allele origin: germline.
Comment: The p.E1276* pathogenic mutation (also known as c.3826G>T), located in coding exon 10 of the BRCA2 gene, results from a G to T substitution at nucleotide position 3826. This changes the amino acid from a glutamic acid to a stop codon within coding exon 10. This variant is considered to be rare based on population cohorts in the Genome Aggregation Database (gnomAD). This alteration is expected to result in loss of function by premature protein truncation or nonsense-mediated mRNA decay. As such, this alteration is interpreted as a disease-causing mutation.